The following is an entry in ClinVar:

ClinVar aggregate classification (germline): Likely benign. Review status: criteria provided, multiple submitters, no conflicts (2 of 4 stars). 2 submissions from 2 submitters: Likely benign (2). Last evaluated 2024-09-28.

Conditions:
Meckel-Gruber syndrome. Also called: DYSENCEPHALIA SPLANCHNOCYSTICA; GRUBER SYNDROME; Dysencephalia splachnocystica. Identifiers: Orphanet 564, MedGen C0265215, MONDO:0018921.
Joubert syndrome. Also called: CEREBELLOPARENCHYMAL DISORDER IV; JOUBERT-BOLTSHAUSER SYNDROME; Familial aplasia of the vermis. Identifiers: Orphanet 475, MedGen C5979921, MONDO:0018772.

Allele frequency attached by ClinVar (database versions not stated): gnomAD exomes below 0.00001; TOPMed below 0.00001; gnomAD 0.00003.
gnomAD v4.1: 5 of 1,614,062 alleles (0.00031%); highest among the groups gnomAD compares: Non-Finnish European, 0.00042%; no homozygotes.

Submissions (2):

Labcorp Genetics (formerly Invitae), Labcorp
Classification: Likely benign for Joubert syndrome; Meckel-Gruber syndrome. Last evaluated: 2024-09-28. Review status: criteria provided, single submitter. Criteria: Invitae Variant Classification Sherloc (09022015). Collection method: clinical testing. Allele origin: germline.

GeneDx
Classification: Likely benign. Last evaluated: 2018-02-19. Review status: criteria provided, single submitter. Criteria: GeneDx Variant Classification (06012015). Collection method: clinical testing. Allele origin: germline. Affected: yes.
Comment: This variant is considered likely benign or benign based on one or more of the following criteria: it is a conservative change, it occurs at a poorly conserved position in the protein, it is predicted to be benign by multiple in silico algorithms, and/or has population frequency not consistent with disease.

NM_017777.4(MKS1):c.252C>G (p.Leu84=)

Gene: MKS1 (MKS transition zone complex subunit 1; minus strand). Cytogenetic location: 17q22.
Variant type: single nucleotide variant.
Coding change: c.252C>G on transcript NM_017777.4 (MANE Select); coding-DNA position 252, C replaced by G.
Protein change: p.Leu84=; no amino-acid change (leucine 84 retained).
Molecular consequence: synonymous variant. On other transcripts: 5 prime UTR variant (1).
Genome position (GRCh38, 1-based): chr17:58,216,675, G>C on the plus strand (C>G on the coding strand, the complement: MKS1 is on the minus strand). VCF-style: chr17-58216675-G-C. GRCh37 (hg19) VCF-style: chr17-56294036-G-C.
Other names: c.-260C>G (NM_001321268.2); c.252C>G, p.Leu84= (NM_001321269.2, NM_001330397.2).
Identifiers: ClinVar variation 515665 (VCV000515665.9), dbSNP rs969699321, ClinGen allele CA292015002.